The following is an entry in ClinVar:

NM_001079843.3(CASZ1):c.3534C>G (p.Asn1178Lys)

Gene: CASZ1 (castor zinc finger 1; minus strand).
Variant type: single nucleotide variant.
Coding change: c.3534C>G on transcript NM_001079843.3 (MANE Select); coding-DNA position 3534, C replaced by G.
Protein change: p.Asn1178Lys; replaces asparagine 1178 with lysine.
Molecular consequence: missense variant.
Other names: short protein forms N1178K.
Identifiers: ClinVar variation 4686671 (VCV004686671.1).
Protein context (NP_001073312.1, residues 1168-1188): PCLATDCKYA[Asn1178Lys]KFHFHCLFGN

ClinVar aggregate classification (germline): Uncertain significance (1 of 4 stars; one submission).

Conditions:
Primary dilated cardiomyopathy (DCM). Also called: Dilated Cardiomyopathy. Identifiers: Orphanet 217604, MedGen C0007193, MeSH D002311, MONDO:0005021, HP:0001644. Inheritance: Various modes of inheritance.

Submission:

Petrovsky National Research Centre of Surgery, The Federal Agency for Scientific Organizations
Classification: Uncertain significance for Primary dilated cardiomyopathy. Last evaluated: 2026-01-27. Review status: criteria provided, single submitter. Criteria: ACMG Guidelines, 2015. Collection method: clinical testing. Allele origin: germline. Affected: yes. Observed: 1 variant allele.
Comment: The variant is in The Genome Aggregation Database (gnomAD) v4.1.0 with total 6,195×10-7. (Date of access 2026-01-27). In accordance with ACMG (2015) criteria this variant is classified as Uncertain significance with following criteria selected: PM2, BP4.